The following is an entry in ClinVar:

ClinVar aggregate classification (germline): Conflicting classifications of pathogenicity. Review status: criteria provided, conflicting classifications (1 of 4 stars). 2 submissions from 2 submitters: Likely pathogenic (1); Uncertain significance (1). Last evaluated 2023-05-04.

Conditions:
Hereditary cancer-predisposing syndrome. Also called: Tumor predisposition; Hereditary Cancer Syndrome; Hereditary neoplastic syndrome; Neoplastic Syndromes, Hereditary. Identifiers: Orphanet 140162, MedGen C0027672, MeSH D009386, MONDO:0015356.
Peutz-Jeghers syndrome (PJS). Also called: POLYPOSIS, HAMARTOMATOUS INTESTINAL; POLYPS-AND-SPOTS SYNDROME; Peutz-Jeghers polyposis; Periorificial lentiginosis syndrome. Identifiers: Orphanet 2869, MedGen C0031269, MeSH D010580, MONDO:0008280, OMIM 175200.

Submissions (2):

Ambry Genetics
Classification: Likely pathogenic for Hereditary cancer-predisposing syndrome. Last evaluated: 2023-05-04. Review status: criteria provided, single submitter. Criteria: Ambry Variant Classification Scheme 2023. Collection method: clinical testing. Allele origin: germline.
Comment: The p.H154D variant (also known as c.460C>G), located in coding exon 3 of the STK11 gene, results from a C to G substitution at nucleotide position 460. The histidine at codon 154 is replaced by aspartic acid, an amino acid with similar properties. This alteration has been observed in multiple individuals with a personal and/or family history that is consistent with Peutz-Jeghers syndrome (Zhao X et al. Nan Fang Yi Ke Da Xue Xue Bao, 2012 Apr;32:511-4; Ambry internal data). This amino acid position is highly conserved in available vertebrate species. In addition, this alteration is predicted to be deleterious by in silico analysis. This variant is considered to be rare based on population cohorts in the Genome Aggregation Database (gnomAD). Based on the majority of available evidence to date, this variant is likely to be pathogenic.

Labcorp Genetics (formerly Invitae), Labcorp
Classification: Uncertain significance for Peutz-Jeghers syndrome. Last evaluated: 2016-03-02. Review status: criteria provided, single submitter. Criteria: Invitae Variant Classification Sherloc (09022015). Collection method: clinical testing. Allele origin: germline.
Comment: This variant is not present in population databases (ExAC no frequency). In summary, this is a rare missense change with uncertain impact on protein function. It has been classified as a Variant of Uncertain Significance. Algorithms developed to predict the effect of missense changes on protein structure and function (SIFT, PolyPhen-2, Align-GVGD) all suggest that this variant is likely to be disruptive, but these predictions have not been confirmed by published functional studies. This variant has been reported in an individual affected with Peutz-Jeghers syndrome (PMID: 22543132). This sequence change replaces histidine with aspartic acid at codon 154 of the STK11 protein (p.His154Asp). The histidine residue is highly conserved and there is a moderate physicochemical difference between histidine and aspartic acid.

Literature cited by the submitters: PubMed 22543132 (cited by Ambry Genetics and Labcorp Genetics (formerly Invitae), Labcorp).

NM_000455.5(STK11):c.460C>G (p.His154Asp)

Gene: STK11 (serine/threonine kinase 11; plus strand). Cytogenetic location: 19p13.3.
Variant type: single nucleotide variant.
Coding change: c.460C>G on transcript NM_000455.5 (MANE Select); coding-DNA position 460, C replaced by G.
Protein change: p.His154Asp; replaces histidine 154 with aspartic acid.
Molecular consequence: missense variant.
Genome position (GRCh38, 1-based): chr19:1,219,409, C>G. VCF-style: chr19-1219409-C-G. GRCh37 (hg19) VCF-style: chr19-1219408-C-G.
Other names: short protein forms H154D.
Identifiers: ClinVar variation 237801 (VCV000237801.10), dbSNP rs878853988, ClinGen allele CA10583784.